The following is an entry in ClinVar:

ClinVar aggregate classification (germline): Uncertain significance (0 of 4 stars; one submission).

Submission:

Leiden Open Variation Database
Classification: Uncertain significance. Last evaluated: 2020-02-28. Review status: no assertion criteria provided. Collection method: curation. Allele origin: germline. Affected: yes.
Comment: Curator: Arleen D. Auerbach. Submitter to LOVD: Arleen D. Auerbach.

NM_004629.2(FANCG):c.84+3A>C

Gene: FANCG (FA complementation group G; minus strand). Cytogenetic location: 9p13.3.
Variant type: single nucleotide variant.
Coding change: c.84+3A>C on transcript NM_004629.2 (MANE Select); 3 bases into the intron after coding-DNA position 84, A replaced by C.
Molecular consequence: intron variant.
Genome position (GRCh38, 1-based): chr9:35,079,438, T>G on the plus strand (A>C on the coding strand, the complement: FANCG is on the minus strand). VCF-style: chr9-35079438-T-G. GRCh37 (hg19) VCF-style: chr9-35079435-T-G.
Identifiers: ClinVar variation 929671 (VCV000929671.1), dbSNP rs1829143957, ClinGen allele CA1139660976.